The following is an entry in ClinVar:

ClinVar aggregate classification (germline): Likely pathogenic (1 of 4 stars; one submission).

Submission:

Athena Diagnostics
Classification: Likely pathogenic. Last evaluated: 2021-02-04. Review status: criteria provided, single submitter. Criteria: Athena Diagnostics criteria. Collection method: clinical testing. Allele origin: unknown.
Comment: The frequency of this variant in the general population is consistent with pathogenicity. Assessment of experimental evidence suggests this variant results in abnormal protein function. This variant increased sensitivity of the receptor to calcium (PMID: 22789683). Computational tools predict that this variant is damaging.

Literature cited by the submitters: PubMed 22789683.

NM_000388.4(CASR):c.2042A>G (p.Gln681Arg)

Gene: CASR (calcium sensing receptor; plus strand). Cytogenetic location: 3q21.1.
Variant type: single nucleotide variant.
Coding change: c.2042A>G on transcript NM_000388.4 (MANE Select); coding-DNA position 2042, A replaced by G.
Protein change: p.Gln681Arg; replaces glutamine 681 with arginine.
Molecular consequence: missense variant.
Genome position (GRCh38, 1-based): chr3:122,283,996, A>G. VCF-style: chr3-122283996-A-G. GRCh37 (hg19) VCF-style: chr3-122002843-A-G.
Other names: c.2072A>G, p.Gln691Arg (NM_001178065.2); short protein forms Q681R, Q691R.
Identifiers: ClinVar variation 1256480 (VCV001256480.1), dbSNP rs2107649847, ClinGen allele CA354158365.